The following is an entry in ClinVar:

ClinVar aggregate classification (germline): Conflicting classifications of pathogenicity. Review status: criteria provided, conflicting classifications (1 of 4 stars). 3 submissions from 3 submitters: Uncertain significance (1); Likely benign (1). 1 of the submissions does not count toward it. Last evaluated 2025-06-12.

Conditions:
NDUFB9-related disorder. Also called: NDUFB9-related condition.

Allele frequency attached by ClinVar (database versions not stated): gnomAD exomes 0.00008 and 0.00023; ExAC 0.00023; TOPMed 0.00081; ESP Exome Variant Server 0.00092; gnomAD 0.00109 and 0.00114; 1000 Genomes Project 0.00120; 1000 Genomes Project 30x 0.00125.

Submissions (3):

Labcorp Genetics (formerly Invitae), Labcorp
Classification: Likely benign. Last evaluated: 2025-06-12. Review status: criteria provided, single submitter. Criteria: Invitae Variant Classification Sherloc (09022015). Collection method: clinical testing. Allele origin: germline.

GeneDx
Classification: Uncertain significance. Last evaluated: 2017-09-21. Review status: criteria provided, single submitter. Criteria: GeneDx Variant Classification (06012015). Collection method: clinical testing. Allele origin: germline. Affected: yes.
Comment: The Y37H variant in the NDUFB9 gene has not been reported previously as a pathogenic variant, nor as a benign variant, to our knowledge. The Y37H variant is observed in 28/10398 (0.27%) alleles from individuals of African background, in the ExAC dataset (Lek et al., 2016). The Y37H variant is a non-conservative amino acid substitution, which is likely to impact secondary protein structure as these residues differ in polarity, charge, size and/or other properties. This substitution occurs at a position that is conserved across species. In silico analysis predicts this variant is probably damaging to the protein structure/function. We interpret Y37H as a variant of uncertain significance.

PreventionGenetics, part of Exact Sciences
Classification: Likely benign for NDUFB9-related condition. Last evaluated: 2022-09-08. Review status: no assertion criteria provided. Collection method: clinical testing. Allele origin: germline. Not counted in ClinVar's aggregate classification.
Comment: This variant is classified as likely benign based on ACMG/AMP sequence variant interpretation guidelines (Richards et al. 2015 PMID: 25741868, with internal and published modifications).

NM_005005.3(NDUFB9):c.109T>C (p.Tyr37His)

Gene: NDUFB9 (NADH:ubiquinone oxidoreductase subunit B9; plus strand). Cytogenetic location: 8q24.13.
Variant type: single nucleotide variant.
Coding change: c.109T>C on transcript NM_005005.3 (MANE Select); coding-DNA position 109, T replaced by C.
Protein change: p.Tyr37His; replaces tyrosine 37 with histidine.
Molecular consequence: missense variant. On other transcripts: 5 prime UTR variant (1), intron variant (2).
Genome position (GRCh38, 1-based): chr8:124,543,094, T>C. VCF-style: chr8-124543094-T-C. GRCh37 (hg19) VCF-style: chr8-125555335-T-C.
Other names: c.-21T>C (NM_001278646.2); c.102-26T>C (NM_001311168.2); c.-32-28T>C (NM_001278645.2); short protein forms Y37H.
Identifiers: ClinVar variation 449709 (VCV000449709.13), dbSNP rs140417066, ClinGen allele CA4871473.